The following is an entry in ClinVar:

ClinVar aggregate classification (germline): Likely benign. Review status: criteria provided, single submitter (1 of 4 stars). 2 submissions from 2 submitters: Likely benign (1). 1 of the submissions does not count toward it. Last evaluated 2023-10-13.

Allele frequency attached by ClinVar (database versions not stated): TOPMed below 0.00001.

Submissions (2):

Labcorp Genetics (formerly Invitae), Labcorp
Classification: Likely benign. Last evaluated: 2023-10-13. Review status: criteria provided, single submitter. Criteria: Invitae Variant Classification Sherloc (09022015). Collection method: clinical testing. Allele origin: germline.

Department of Pathology and Laboratory Medicine, Sinai Health System
Classification: Uncertain significance. Review status: no assertion criteria provided. Collection method: clinical testing. Allele origin: unknown. Affected: yes. Study: The Canadian Open Genetics Repository (COGR). Not counted in ClinVar's aggregate classification.
Comment: The ERCC8 p.F189L variant was not identified in the literature nor was it identified in dbSNP, ClinVar or in the following control databases: the 1000 Genomes Project, the NHLBI GO Exome Sequencing Project, or the Genome Aggregation Database (March 6, 2019, v2.1.1). Computational analyses predicting the impact of this variant on protein function are not available. The variant occurs outside of the splicing consensus sequence and in silico or computational prediction software programs (Splice AI exome & Splice AI genome) do not predict a deleterious effect on splicing. In summary, based on the above information the clinical significance of this variant cannot be determined with certainty at this time. This variant is classified as a variant of uncertain significance.

NM_000082.4(ERCC8):c.550+15T>C

Gene: ERCC8 (ERCC excision repair 8, CSA ubiquitin ligase complex subunit; minus strand). Cytogenetic location: 5q12.1.
Variant type: single nucleotide variant.
Coding change: c.550+15T>C on transcript NM_000082.4 (MANE Select); 15 bases into the intron after coding-DNA position 550, T replaced by C.
Molecular consequence: intron variant. On other transcripts: missense variant (1).
Genome position (GRCh38, 1-based): chr5:60,903,633, A>G on the plus strand (T>C on the coding strand, the complement: ERCC8 is on the minus strand). VCF-style: chr5-60903633-A-G. GRCh37 (hg19) VCF-style: chr5-60199460-A-G.
Other names: c.565T>C, p.Phe189Leu (NM_001007234.3); c.91+15T>C (NM_001290285.2); c.376+15T>C (NM_001007233.3); short protein forms F189L.
Identifiers: ClinVar variation 1049453 (VCV001049453.4), dbSNP rs1748965740, ClinGen allele CA1549988409.